The following is an entry in ClinVar:

ClinVar aggregate classification (germline): Uncertain significance (1 of 4 stars; one submission).

Allele frequency attached by ClinVar (database versions not stated): TOPMed below 0.00001; gnomAD 0.00001 and 0.00004; gnomAD exomes 0.00001 and 0.00002; ExAC 0.00003; 1000 Genomes Project 0.00060; 1000 Genomes Project 30x 0.00078.
gnomAD v4.1: 8 of 1,332,052 alleles (0.0006%); highest among the groups gnomAD compares: Admixed American, 0.024%; no homozygotes.

Submission:

Labcorp Genetics (formerly Invitae), Labcorp
Classification: Uncertain significance. Last evaluated: 2022-09-15. Review status: criteria provided, single submitter. Criteria: Invitae Variant Classification Sherloc (09022015). Collection method: clinical testing. Allele origin: germline.
Comment: This sequence change replaces valine, which is neutral and non-polar, with methionine, which is neutral and non-polar, at codon 838 of the LTBP2 protein (p.Val838Met). This variant is present in population databases (rs565316631, gnomAD 0.04%). This variant has not been reported in the literature in individuals affected with LTBP2-related conditions. ClinVar contains an entry for this variant (Variation ID: 1496657). Algorithms developed to predict the effect of missense changes on protein structure and function are either unavailable or do not agree on the potential impact of this missense change (SIFT: "Deleterious"; PolyPhen-2: "Benign"; Align-GVGD: "Class C15"). In summary, the available evidence is currently insufficient to determine the role of this variant in disease. Therefore, it has been classified as a Variant of Uncertain Significance.

NM_000428.3(LTBP2):c.2512G>A (p.Val838Met)

Gene: LTBP2 (latent transforming growth factor beta binding protein 2; minus strand). Cytogenetic location: 14q24.3.
Variant type: single nucleotide variant.
Coding change: c.2512G>A on transcript NM_000428.3 (MANE Select); coding-DNA position 2512, G replaced by A.
Protein change: p.Val838Met; replaces valine 838 with methionine.
Molecular consequence: missense variant.
Genome position (GRCh38, 1-based): chr14:74,525,142, C>T on the plus strand (G>A on the coding strand, the complement: LTBP2 is on the minus strand). VCF-style: chr14-74525142-C-T. GRCh37 (hg19) VCF-style: chr14-74991845-C-T.
Other names: short protein forms V838M.
Identifiers: ClinVar variation 1496657 (VCV001496657.5), dbSNP rs565316631, ClinGen allele CA7269486.